The following is an entry in ClinVar:

ClinVar aggregate classification (germline): Uncertain significance. Review status: criteria provided, multiple submitters, no conflicts (2 of 4 stars). 2 submissions from 2 submitters: Uncertain significance (2). Last evaluated 2025-08-09.

Allele frequency attached by ClinVar (database versions not stated): TOPMed 0.00010; gnomAD 0.00015; 1000 Genomes Project 30x 0.00016; gnomAD exomes 0.00016; ExAC 0.00037.
gnomAD v4.1: 244 of 1,523,858 alleles (0.016%); highest among the groups gnomAD compares: Non-Finnish European, 0.02%; no homozygotes.

Submissions (2):

Ambry Genetics
Classification: Uncertain significance. Last evaluated: 2025-08-09. Review status: criteria provided, single submitter. Criteria: Ambry Variant Classification Scheme 2023. Collection method: clinical testing. Allele origin: germline.

CeGaT Center for Human Genetics Tuebingen
Classification: Uncertain significance. Last evaluated: 2024-03-01. Review status: criteria provided, single submitter. Criteria: CeGaT Center For Human Genetics Tuebingen Variant Classification Criteria Version 2. Collection method: clinical testing. Allele origin: germline. Affected: yes. Observed: 1 variant allele.
Comment: VPS51: PM2

NM_013265.4(VPS51):c.719G>A (p.Arg240His)

Gene: VPS51 (VPS51 subunit of GARP complex; plus strand). Cytogenetic location: 11q13.1.
Variant type: single nucleotide variant.
Coding change: c.719G>A on transcript NM_013265.4 (MANE Select); coding-DNA position 719, G replaced by A.
Protein change: p.Arg240His; replaces arginine 240 with histidine.
Molecular consequence: missense variant. On other transcripts: non-coding transcript variant (1).
Genome position (GRCh38, 1-based): chr11:65,108,016, G>A. VCF-style: chr11-65108016-G-A. GRCh37 (hg19) VCF-style: chr11-64875488-G-A.
Other names: c.719G>A (NM_013265.2); short protein forms R240H.
Identifiers: ClinVar variation 3067332 (VCV003067332.22), dbSNP rs770562565, ClinGen allele CA6090403.